The following is an entry in ClinVar:

NM_000051.4(ATM):c.958G>A (p.Val320Met)

Gene: ATM (ATM serine/threonine kinase; plus strand). Cytogenetic location: 11q22.3.
Variant type: single nucleotide variant.
Coding change: c.958G>A on transcript NM_000051.4 (MANE Select); coding-DNA position 958, G replaced by A.
Protein change: p.Val320Met; replaces valine 320 with methionine.
Molecular consequence: missense variant.
Genome position (GRCh38, 1-based): chr11:108,247,020, G>A. VCF-style: chr11-108247020-G-A. GRCh37 (hg19) VCF-style: chr11-108117747-G-A.
Other names: c.958G>A, p.Val320Met (NM_001351834.2); short protein forms V320M.
Identifiers: ClinVar variation 407650 (VCV000407650.15), dbSNP rs1060501655, ClinGen allele CA16613057.

ClinVar aggregate classification (germline): Uncertain significance. Review status: criteria provided, multiple submitters, no conflicts (2 of 4 stars). 4 submissions from 4 submitters: Uncertain significance (4). Last evaluated 2025-10-07.

Conditions:
Hereditary cancer-predisposing syndrome. Also called: Hereditary neoplastic syndrome; Neoplastic Syndromes, Hereditary; Tumor predisposition; Hereditary Cancer Syndrome. Identifiers: Orphanet 140162, MedGen C0027672, MeSH D009386, MONDO:0015356.
ATM-related disorder. Also called: ATM-related disorders; ATM-related condition.
Familial cancer of breast. Also called: Hereditary breast cancer; hereditary breast carcinoma; BREAST CANCER, FAMILIAL. Identifiers: Orphanet 227535, MedGen C0346153, MONDO:0016419, OMIM 114480. Disease mechanism: loss of function.
Ataxia-telangiectasia syndrome (AT). Also called: Ataxia telangiectasia (A-T); LOUIS-BAR SYNDROME; Cerebello-oculocutaneous telangiectasia; Immunodeficiency with ataxia telangiectasia; Ataxia-telangiectasia, complementation group D; AT, COMPLEMENTATION GROUP C. Identifiers: Orphanet 100, MedGen C0004135, MONDO:0008840, OMIM 208900.

Allele frequency attached by ClinVar (database versions not stated): TOPMed below 0.00001; gnomAD 0.00001; gnomAD exomes 0.00002.
gnomAD v4.1: 25 of 1,613,144 alleles (0.0015%); highest among the groups gnomAD compares: Non-Finnish European, 0.002%; no homozygotes.

Submissions (4):

Labcorp Genetics (formerly Invitae), Labcorp
Classification: Uncertain significance for Ataxia-telangiectasia syndrome. Last evaluated: 2025-10-07. Review status: criteria provided, single submitter. Criteria: Invitae Variant Classification Sherloc (09022015). Collection method: clinical testing. Allele origin: germline.
Comment: This sequence change replaces valine, which is neutral and non-polar, with methionine, which is neutral and non-polar, at codon 320 of the ATM protein (p.Val320Met). This variant is not present in population databases (gnomAD no frequency). This variant has not been reported in the literature in individuals affected with ATM-related conditions. ClinVar contains an entry for this variant (Variation ID: 407650). Invitae Evidence Modeling of protein sequence and biophysical properties (such as structural, functional, and spatial information, amino acid conservation, physicochemical variation, residue mobility, and thermodynamic stability) indicates that this missense variant is not expected to disrupt ATM protein function with a negative predictive value of 95%. In summary, the available evidence is currently insufficient to determine the role of this variant in disease. Therefore, it has been classified as a Variant of Uncertain Significance.

Ambry Genetics
Classification: Uncertain significance for Hereditary cancer-predisposing syndrome. Last evaluated: 2025-06-18. Review status: criteria provided, single submitter. Criteria: Ambry Variant Classification Scheme 2023. Collection method: clinical testing. Allele origin: germline.
Comment: The p.V320M variant (also known as c.958G>A), located in coding exon 7 of the ATM gene, results from a G to A substitution at nucleotide position 958. The valine at codon 320 is replaced by methionine, an amino acid with highly similar properties. This variant was reported in 1/60,466 breast cancer cases and in 0/53,461 controls (Dorling et al. N Engl J Med. 2021 02;384:428-439). ( et al. N Engl J Med, 2021 02;384:428-439). This alteration has been reported in at least one subject in a study of 13087 breast cancer cases and 5488 control individuals in the UK (Decker B et al. J Med Genet, 2017 11;54:732-741). This amino acid position is not well conserved in available vertebrate species. In addition, this alteration is predicted to be tolerated by in silico analysis. Based on the available evidence, the clinical significance of this variant remains unclear.

PreventionGenetics, part of Exact Sciences
Classification: Uncertain significance for ATM-related condition. Last evaluated: 2023-07-04. Review status: criteria provided, single submitter. Criteria: ACMG Guidelines, 2015. Collection method: clinical testing. Allele origin: germline.
Comment: The ATM c.958G>A variant is predicted to result in the amino acid substitution p.Val320Met. This variant has been reported in a single patient with breast cancer (Decker et al. 2017. PubMed ID: 28779002). It has not been reported in a large population database and is classified as a variant of uncertain significance in ClinVar. At this time, the clinical significance of this variant is uncertain due to the absence of conclusive functional and genetic evidence.

Baylor Genetics
Classification: Uncertain significance for Familial cancer of breast. Last evaluated: 2023-05-31. Review status: criteria provided, single submitter. Criteria: ACMG Guidelines, 2015. Collection method: clinical testing. Allele origin: unknown.

Literature cited by the submitters: PubMed 28779002 (cited by Ambry Genetics); PubMed 33471991 (cited by Ambry Genetics).